The following is an entry in ClinVar:

ClinVar aggregate classification (germline): Uncertain significance (1 of 4 stars; one submission).

Conditions:
POLD1-related polyposis and colorectal cancer syndrome (CRCS10). Also called: Colorectal cancer, susceptibility to, 10; Colorectal cancer 10; COLORECTAL CANCER, SUSCEPTIBILITY TO, ON CHROMOSOME 19q. Identifiers: Orphanet 220460, MedGen C2675481, MONDO:0012953, OMIM 612591.

Allele frequency attached by ClinVar (database versions not stated): gnomAD exomes below 0.00001.
gnomAD v4.1: 2 of 1,531,786 alleles (0.00013%); highest among the groups gnomAD compares: Non-Finnish European, 0.00018%; no homozygotes.

Submission:

Labcorp Genetics (formerly Invitae), Labcorp
Classification: Uncertain significance for POLD1-related polyposis and colorectal cancer syndrome. Last evaluated: 2023-06-09. Review status: criteria provided, single submitter. Criteria: Invitae Variant Classification Sherloc (09022015). Collection method: clinical testing. Allele origin: germline.
Comment: In summary, the available evidence is currently insufficient to determine the role of this variant in disease. Therefore, it has been classified as a Variant of Uncertain Significance. Studies have shown that disruption of this splice site results in activation of a cryptic splice site and introduces a premature termination codon (Invitae). The resulting mRNA is expected to undergo nonsense-mediated decay. ClinVar contains an entry for this variant (Variation ID: 2202228). This variant has not been reported in the literature in individuals affected with POLD1-related conditions. This variant is not present in population databases (gnomAD no frequency). This sequence change affects a donor splice site in intron 24 of the POLD1 gene. Missense variants that disrupt the 3'-5' exonuclease (proof-reading) activity of the POLD1 protein are associated with an increased risk for colonic adenomatous polyps and colon cancer (PMID: 23263490, 23447401). However, loss-of-function variants that result in an absent or severely disrupted POLD1 protein, and missense variants outside the exonuclease domain, are unlikely to be associated with polyposis or colon cancer.

Literature cited by the submitters: PubMed 23263490; PubMed 23447401.

NM_002691.4(POLD1):c.3067+1G>A

Gene: POLD1 (DNA polymerase delta 1, catalytic subunit; plus strand). Cytogenetic location: 19q13.33.
Variant type: single nucleotide variant.
Coding change: c.3067+1G>A on transcript NM_002691.4 (MANE Select); the canonical splice donor site of the intron after coding-DNA position 3067, G replaced by A.
Molecular consequence: splice donor variant.
Genome position (GRCh38, 1-based): chr19:50,416,724, G>A. VCF-style: chr19-50416724-G-A. GRCh37 (hg19) VCF-style: chr19-50919981-G-A.
Other names: c.3067+1G>A (NM_001256849.1); c.3145+1G>A (NM_001308632.1).
Identifiers: ClinVar variation 2202228 (VCV002202228.4), dbSNP rs2039311427, ClinGen allele CA406987036.